The following is an entry in ClinVar:

NM_004176.5(SREBF1):c.3037G>A (p.Gly1013Ser)

Gene: SREBF1 (sterol regulatory element binding transcription factor 1; minus strand). Cytogenetic location: 17p11.2.
Variant type: single nucleotide variant.
Coding change: c.3037G>A on transcript NM_004176.5 (MANE Select); coding-DNA position 3037, G replaced by A.
Protein change: p.Gly1013Ser; replaces glycine 1013 with serine.
Molecular consequence: missense variant. On other transcripts: non-coding transcript variant (4).
Genome position (GRCh38, 1-based): chr17:17,813,634, C>T on the plus strand (G>A on the coding strand, the complement: SREBF1 is on the minus strand). VCF-style: chr17-17813634-C-T. GRCh37 (hg19) VCF-style: chr17-17716948-C-T.
Other names: c.3127G>A, p.Gly1043Ser (NM_001005291.3); c.2965G>A, p.Gly989Ser (NM_001321096.3); c.3124G>A, p.Gly1042Ser (NM_001388385.1); c.3037G>A, p.Gly1013Ser (NM_001388386.1); c.3076G>A, p.Gly1026Ser (NM_001388387.1); c.2992G>A, p.Gly998Ser (NM_001388388.1); c.3031G>A, p.Gly1011Ser (NM_001388389.1); c.3019G>A, p.Gly1007Ser (NM_001388390.1); and 4 more; short protein forms G1004S, G1007S, G1011S, G1013S, G1026S, G1042S, G1043S, G869S.
Identifiers: ClinVar variation 1878917 (VCV001878917.1), dbSNP rs1325546235, ClinGen allele CA398561712.

ClinVar aggregate classification (germline): Uncertain significance (1 of 4 stars; one submission).

Allele frequency attached by ClinVar (database versions not stated): TOPMed below 0.00001; gnomAD 0.00001; gnomAD exomes 0.00001.
gnomAD v4.1: 12 of 1,578,790 alleles (0.00076%); highest among the groups gnomAD compares: Non-Finnish European, 0.00086%; no homozygotes.

Submission:

GeneDx
Classification: Uncertain significance. Last evaluated: 2022-07-15. Review status: criteria provided, single submitter. Criteria: GeneDx Variant Classification Process June 2021. Collection method: clinical testing. Allele origin: germline. Affected: yes.
Comment: In silico analysis supports that this missense variant has a deleterious effect on protein structure/function; Has not been previously published as pathogenic or benign to our knowledge